The following is an entry in ClinVar:

ClinVar aggregate classification (germline): Likely pathogenic (1 of 4 stars; one submission).

Conditions:
Dilated cardiomyopathy 1G (CMD1G). Identifiers: Orphanet 154, MedGen C1858763, MONDO:0011400, OMIM 604145.
Autosomal recessive limb-girdle muscular dystrophy type 2J (LGMDR10). Also called: Limb-girdle muscular dystrophy, type 2J; MUSCULAR DYSTROPHY, LIMB-GIRDLE, AUTOSOMAL RECESSIVE 10. Identifiers: Orphanet 140922, MedGen C1837342, MONDO:0012127, OMIM 608807.

Submission:

Labcorp Genetics (formerly Invitae), Labcorp
Classification: Likely pathogenic for Dilated cardiomyopathy 1G; Autosomal recessive limb-girdle muscular dystrophy type 2J. Last evaluated: 2021-12-23. Review status: criteria provided, single submitter. Criteria: Invitae Variant Classification Sherloc (09022015). Collection method: clinical testing. Allele origin: germline.
Comment: In summary, the currently available evidence indicates that the variant is pathogenic, but additional data are needed to prove that conclusively. Therefore, this variant has been classified as Likely Pathogenic. This variant is located in the A band of TTN (PMID: 25589632). Truncating variants in this region are significantly overrepresented in patients affected with dilated cardiomyopathy (PMID: 25589632). Truncating variants in this region have also been reported in individuals affected with autosomal recessive centronuclear myopathy (PMID: 23975875). This variant has not been reported in the literature in individuals affected with TTN-related conditions. This variant is not present in population databases (gnomAD no frequency). This sequence change creates a premature translational stop signal (p.Asp24224*) in the TTN gene. While this is not anticipated to result in nonsense mediated decay, it is expected to create a truncated TTN protein.

Literature cited by the submitters: PubMed 25589632; PubMed 23975875.

NM_001267550.2(TTN):c.72668dup (p.Pro24223_Asp24224insTer)

Genes: TTN-AS1 (TTN antisense RNA 1; plus strand), TTN (titin; minus strand). Cytogenetic location: 2q31.2.
Variant type: Duplication.
Coding change: c.72668dup on transcript NM_001267550.2 (MANE Select); coding-DNA position 72668, one base duplicated (C; older notation c.72668dupC).
Protein change: p.Pro24223_Asp24224insTer.
Molecular consequence: frameshift variant.
Genome position (GRCh38, 1-based): chr2:178,573,464, G duplicated on the plus strand (C on the coding strand, the reverse complement: TTN is on the minus strand); the first of 5 consecutive G bases (chr2:178,573,464-178,573,468); duplicating any one gives the same sequence. VCF-style (leftmost placement, unchanged base first): chr2-178573463-A-AG. GRCh37 (hg19) VCF-style: chr2-179438190-A-AG.
Other names: c.67745dup, p.Pro22582_Asp22583insTer (NM_001256850.1); c.45473dup, p.Pro15158_Asp15159insTer (NM_003319.4); c.64964dup, p.Pro21655_Asp21656insTer (NM_133378.4); c.45848dup, p.Pro15283_Asp15284insTer (NM_133432.3); c.46049dup, p.Pro15350_Asp15351insTer (NM_133437.4).
Identifiers: ClinVar variation 2055752 (VCV002055752.4), dbSNP rs1559425909, ClinGen allele CA2580064828.